The following is an entry in ClinVar:

NM_002691.4(POLD1):c.2820+12C>T

Gene: POLD1 (DNA polymerase delta 1, catalytic subunit; plus strand). Cytogenetic location: 19q13.33.
Variant type: single nucleotide variant.
Coding change: c.2820+12C>T on transcript NM_002691.4 (MANE Select); 12 bases into the intron after coding-DNA position 2820, C replaced by T.
Molecular consequence: intron variant.
Genome position (GRCh38, 1-based): chr19:50,415,838, C>T. VCF-style: chr19-50415838-C-T. GRCh37 (hg19) VCF-style: chr19-50919095-C-T.
Other names: c.2820+12C>T (LRG_785t1, NM_001256849.1); c.2898+12C>T (NM_001308632.1, LRG_785t2).
Identifiers: ClinVar variation 514040 (VCV000514040.5), dbSNP rs567217817, ClinGen allele CA9596663.
Genomic context (GRCh38, chr19:50,415,838, plus strand): 5'-CGTGATCATCAGTGCCGCCAAGGGTGTGGCCGCCTACATGAAGTCGGAGGTCAGGCCCAC[C>T]TGGCTGCCTGCTCCCGCCCAGCCCCCTCGCTCTCACTTCTGCTTTCCGAGATGGGCGGGC-3'

ClinVar aggregate classification (germline): Likely benign. Review status: criteria provided, multiple submitters, no conflicts (2 of 4 stars). 4 submissions from 4 submitters: Likely benign (3). 1 of the submissions does not count toward it. Last evaluated 2025-03-04.

Conditions:
Carcinoma of colon (CRC). Also called: Colonic carcinoma; Colon carcinoma. Identifiers: MedGen C0699790, MONDO:0002032.

Allele frequency attached by ClinVar (database versions not stated): gnomAD 0.00001 and 0.00004; TOPMed 0.00004; gnomAD exomes 0.00012; 1000 Genomes Project 30x 0.00031; 1000 Genomes Project 0.00040; ExAC 0.00042.
gnomAD v4.1: 44 of 1,464,020 alleles (0.003%); highest among the groups gnomAD compares: East Asian, 0.052%; no homozygotes.

Submissions (4):

Center for Genomic Medicine, Rigshospitalet, Copenhagen University Hospital
Classification: Likely benign. Last evaluated: 2025-03-04. Review status: criteria provided, single submitter. Criteria: ACMG Guidelines, 2015. Collection method: clinical testing. Allele origin: germline.

Blueprint Genetics
Classification: Likely benign. Last evaluated: 2024-04-09. Review status: criteria provided, single submitter. Criteria: ACMG Guidelines, 2015. Collection method: clinical testing. Allele origin: germline.

GeneDx
Classification: Likely benign. Last evaluated: 2017-12-08. Review status: criteria provided, single submitter. Criteria: GeneDx Variant Classification (06012015). Collection method: clinical testing. Allele origin: germline. Affected: yes.
Comment: This variant is considered likely benign or benign based on one or more of the following criteria: it is a conservative change, it occurs at a poorly conserved position in the protein, it is predicted to be benign by multiple in silico algorithms, and/or has population frequency not consistent with disease.

Department of Pathology and Laboratory Medicine, Sinai Health System
Classification: Likely benign for Carcinoma of colon. Review status: no assertion criteria provided. Collection method: clinical testing. Allele origin: unknown. Affected: yes. Study: The Canadian Open Genetics Repository (COGR). Not counted in ClinVar's aggregate classification.
Comment: The POLD1 c.2820+12C>T variant was not identified in the literature. The variant was identified in dbSNP (rs567217817) as â€šÃ„Ãºwith likely benign alleleâ€šÃ„Ã¹ and ClinVar (classified as likely benign by GeneDx). The variant was identified in control databases in 13 of 133,524 chromosomes at a frequency of 0.0001 (Genome Aggregation Database Feb 27, 2017). The variant was observed in the following populations: East Asian in 9 of 11,720 chromosomes (freq: 0.0008), South Asian in 4 of 13,138 chromosomes (freq: 0.0003), while the variant was not observed in the African, Latino, Ashkenazi Jewish, Finnish, European and Other populations. The variant occurs at a non-highly conserved nucleotide outside of the splicing consensus sequence and in silico or computational prediction software programs (SpliceSiteFinder, MaxEntScan, NNSPLICE, GeneSplicer) do not predict a difference in splicing. In summary, based on the above information the clinical significance of this variant cannot be determined with certainty at this time although we would lean towards a more benign role for this variant. This variant is classified as likely benign.